The following is an entry in ClinVar:

ClinVar aggregate classification (germline): Uncertain significance. Review status: criteria provided, multiple submitters, no conflicts (2 of 4 stars). 3 submissions from 3 submitters: Uncertain significance (3). Last evaluated 2022-11-02.

Conditions:
Cenani-Lenz syndactyly syndrome. Also called: SYNDACTYLY, TYPE VII; CENANI SYNDACTYLISM. Identifiers: Orphanet 3258, MedGen C1859309, MONDO:0008931, OMIM 212780.
Congenital myasthenic syndrome 17. Identifiers: Orphanet 590, MedGen C4225377, MONDO:0014578, OMIM 616304.
Sclerosteosis 2 (SOST2). Identifiers: Orphanet 3152, MedGen C3280402, MONDO:0013679, OMIM 614305.

Allele frequency attached by ClinVar (database versions not stated): gnomAD 0.00001 and 0.00011; TOPMed 0.00003; gnomAD exomes 0.00019 and 0.00037; ExAC 0.00033; 1000 Genomes Project 0.00040; 1000 Genomes Project 30x 0.00047.
gnomAD v4.1: 295 of 1,614,174 alleles (0.018%); highest among the groups gnomAD compares: South Asian, 0.32%; 4 homozygotes.

Submissions (3):

Labcorp Genetics (formerly Invitae), Labcorp
Classification: Uncertain significance for Cenani-Lenz syndactyly syndrome; Sclerosteosis 2; Congenital myasthenic syndrome 17. Last evaluated: 2022-11-02. Review status: criteria provided, single submitter. Criteria: Invitae Variant Classification Sherloc (09022015). Collection method: clinical testing. Allele origin: germline.
Comment: This sequence change replaces glutamic acid, which is acidic and polar, with lysine, which is basic and polar, at codon 1691 of the LRP4 protein (p.Glu1691Lys). The frequency data for this variant in the population databases is considered unreliable, as metrics indicate poor data quality at this position in the gnomAD database. This variant has not been reported in the literature in individuals affected with LRP4-related conditions. ClinVar contains an entry for this variant (Variation ID: 806669). Advanced modeling of protein sequence and biophysical properties (such as structural, functional, and spatial information, amino acid conservation, physicochemical variation, residue mobility, and thermodynamic stability) performed at Invitae indicates that this missense variant is not expected to disrupt LRP4 protein function. In summary, the available evidence is currently insufficient to determine the role of this variant in disease. Therefore, it has been classified as a Variant of Uncertain Significance.

CeGaT Center for Human Genetics Tuebingen
Classification: Uncertain significance. Last evaluated: 2017-01-01. Review status: criteria provided, single submitter. Criteria: CeGaT Center For Human Genetics Tuebingen Variant Classification Criteria Version 2. Collection method: clinical testing. Allele origin: germline. Affected: yes. Observed: 1 variant allele.

Breakthrough Genomics
Classification: Uncertain significance. Review status: criteria provided, single submitter. Criteria: ACMG Guidelines, 2015. Collection method: not provided. Allele origin: germline. Inheritance: Autosomal recessive inheritance. Affected: yes.

NM_002334.4(LRP4):c.5071G>A (p.Glu1691Lys)

Genes: LRP4 (LDL receptor related protein 4; minus strand), LRP4-AS1 (LRP4 antisense RNA 1; plus strand). Cytogenetic location: 11p11.2.
Variant type: single nucleotide variant.
Coding change: c.5071G>A on transcript NM_002334.4 (MANE Select); coding-DNA position 5071, G replaced by A.
Protein change: p.Glu1691Lys; replaces glutamic acid 1691 with lysine.
Molecular consequence: missense variant.
Genome position (GRCh38, 1-based): chr11:46,867,995, C>T on the plus strand (G>A on the coding strand, the complement: LRP4 is on the minus strand). VCF-style: chr11-46867995-C-T. GRCh37 (hg19) VCF-style: chr11-46889546-C-T.
Other names: short protein forms E1691K.
Identifiers: ClinVar variation 806669 (VCV000806669.44), dbSNP rs528376810, ClinGen allele CA5969163.